The following is an entry in ClinVar:

ClinVar aggregate classification (germline): Conflicting classifications of pathogenicity. Review status: criteria provided, conflicting classifications (1 of 4 stars). 3 submissions from 3 submitters: Uncertain significance (2); Likely benign (1). Last evaluated 2026-04-01.

Conditions:
Hereditary spastic paraplegia 39 (SPG39). Also called: SPASTIC PARAPLEGIA 39, AUTOSOMAL RECESSIVE; Spastic Paraplegia Type 39 (SPG39). Identifiers: Orphanet 139480, MedGen C2677586, MONDO:0012787, OMIM 612020.

Allele frequency attached by ClinVar (database versions not stated): TOPMed 0.00006.
gnomAD v4.1: 71 of 1,608,708 alleles (0.0044%); highest among the groups gnomAD compares: African/African-American, 0.0067%; no homozygotes.

Submissions (3):

CeGaT Center for Human Genetics Tuebingen
Classification: Uncertain significance. Last evaluated: 2026-04-01. Review status: criteria provided, single submitter. Criteria: CeGaT Center For Human Genetics Tuebingen Variant Classification Criteria Version 2. Collection method: clinical testing. Allele origin: germline. Affected: yes. Observed: 1 variant allele.
Comment: PNPLA6: PM2, BP4

Labcorp Genetics (formerly Invitae), Labcorp
Classification: Likely benign for Hereditary spastic paraplegia 39. Last evaluated: 2024-04-16. Review status: criteria provided, single submitter. Criteria: Invitae Variant Classification Sherloc (09022015). Collection method: clinical testing. Allele origin: germline.

GeneDx
Classification: Uncertain significance. Last evaluated: 2017-04-07. Review status: criteria provided, single submitter. Criteria: GeneDx Variant Classification (06012015). Collection method: clinical testing. Allele origin: germline. Affected: yes.
Comment: A variant of uncertain significance has been identified in the PNPLA6 gene. The R1314H variant has not been published as a pathogenic variant, nor has it been reported as a benign variant to our knowledge. The R1314H variant is not observed at a significant frequency in large population cohorts (Lek et al., 2016; 1000 Genomes Consortium et al., 2015; Exome Variant Server). The R1314H variant is a conservative amino acid substitution, which is not likely to impact secondary protein structure as these residues share similar properties. This substitution occurs at a position that is not conserved and in silico analysis predicts this variant likely does not alter the protein structure/function. However, a different missense substitution at the same position (R1314G) and a missense variant at a nearby residue (R1311W) have been reported in association with Gordon Holmes syndrome (Synofzik et al., 2014; Stenson et al., 2014), supporting the functional importance of this region of the protein. Therefore, based on the currently available information, it is unclear whether this variant is a pathogenic variant or a rare benign variant.

NM_001166114.2(PNPLA6):c.4055G>A (p.Arg1352His)

Gene: PNPLA6 (patatin like domain 6, lysophospholipase; plus strand). Cytogenetic location: 19p13.2.
Variant type: single nucleotide variant.
Coding change: c.4055G>A on transcript NM_001166114.2 (MANE Select); coding-DNA position 4055, G replaced by A.
Protein change: p.Arg1352His; replaces arginine 1352 with histidine.
Molecular consequence: missense variant.
Genome position (GRCh38, 1-based): chr19:7,561,519, G>A. VCF-style: chr19-7561519-G-A. GRCh37 (hg19) VCF-style: chr19-7626405-G-A.
Other names: c.4085G>A, p.Arg1362His (NM_001166111.2); c.3860G>A, p.Arg1287His (NM_001166112.2); c.3941G>A, p.Arg1314His (NM_001166113.1, NM_006702.5); short protein forms R1314H, R1362H, R1287H, R1352H.
Identifiers: ClinVar variation 426688 (VCV000426688.11), dbSNP rs746687452, ClinGen allele CA9140697.